The following is an entry in ClinVar:

ClinVar aggregate classification (germline): Uncertain significance (1 of 4 stars; one submission).

Conditions:
Aortic aneurysm, familial thoracic 7 (AAT7). Also called: AORTIC DISSECTION, FAMILIAL, WITH OR WITHOUT AORTIC ANEURYSM. Identifiers: MedGen C3151077, MONDO:0013418, OMIM 613780.

gnomAD v4.1: 4 of 1,614,234 alleles (0.00025%); highest among the groups gnomAD compares: Non-Finnish European, 0.00034%; no homozygotes.

Submission:

Labcorp Genetics (formerly Invitae), Labcorp
Classification: Uncertain significance for Aortic aneurysm, familial thoracic 7. Last evaluated: 2025-01-25. Review status: criteria provided, single submitter. Criteria: Invitae Variant Classification Sherloc (09022015). Collection method: clinical testing. Allele origin: germline.
Comment: This sequence change replaces glutamine, which is neutral and polar, with arginine, which is basic and polar, at codon 791 of the MYLK protein (p.Gln791Arg). This variant is not present in population databases (gnomAD no frequency). This variant has not been reported in the literature in individuals affected with MYLK-related conditions. Invitae Evidence Modeling of protein sequence and biophysical properties (such as structural, functional, and spatial information, amino acid conservation, physicochemical variation, residue mobility, and thermodynamic stability) indicates that this missense variant is not expected to disrupt MYLK protein function with a negative predictive value of 80%. In summary, the available evidence is currently insufficient to determine the role of this variant in disease. Therefore, it has been classified as a Variant of Uncertain Significance.

NM_053025.4(MYLK):c.2372A>G (p.Gln791Arg)

Gene: MYLK (myosin light chain kinase; minus strand). Cytogenetic location: 3q21.1.
Variant type: single nucleotide variant.
Coding change: c.2372A>G on transcript NM_053025.4 (MANE Select); coding-DNA position 2372, A replaced by G.
Protein change: p.Gln791Arg; replaces glutamine 791 with arginine.
Molecular consequence: missense variant.
Genome position (GRCh38, 1-based): chr3:123,707,772, T>C on the plus strand (A>G on the coding strand, the complement: MYLK is on the minus strand). VCF-style: chr3-123707772-T-C. GRCh37 (hg19) VCF-style: chr3-123426619-T-C.
Other names: c.1844A>G, p.Gln615Arg (NM_001321309.2); c.2165A>G, p.Gln722Arg (NM_053026.4, NM_053028.4); c.2372A>G, p.Gln791Arg (NM_053027.4); short protein forms Q615R, Q722R, Q791R.
Identifiers: ClinVar variation 3618222 (VCV003618222.2).